The following is an entry in ClinVar:

ClinVar aggregate classification (germline): Uncertain significance. Review status: criteria provided, multiple submitters, no conflicts (2 of 4 stars). 2 submissions from 2 submitters: Uncertain significance (2). Last evaluated 2024-04-16.

Conditions:
Essential hypertension, genetic (EHT). Identifiers: MedGen CN305331, MONDO:0007781, OMIM 145500.
Renal tubular dysgenesis of genetic origin. Also called: PRIMITIVE RENAL TUBULE SYNDROME. Identifiers: Orphanet 97369, MedGen C5681536, MONDO:0009970, OMIM 267430.

Allele frequency attached by ClinVar (database versions not stated): ExAC 0.00001; gnomAD 0.00001; TOPMed 0.00001; 1000 Genomes Project 0.00020; 1000 Genomes Project 30x 0.00031.
gnomAD v4.1: 3 of 1,613,228 alleles (0.00019%); highest among the groups gnomAD compares: Admixed American, 0.0033%; no homozygotes.

Submissions (2):

Fulgent Genetics
Classification: Uncertain significance for Essential hypertension, genetic; Renal tubular dysgenesis of genetic origin. Last evaluated: 2024-04-16. Review status: criteria provided, single submitter. Criteria: ACMG Guidelines, 2015. Collection method: clinical testing. Allele origin: germline.

Labcorp Genetics (formerly Invitae), Labcorp
Classification: Uncertain significance. Last evaluated: 2020-12-11. Review status: criteria provided, single submitter. Criteria: Invitae Variant Classification Sherloc (09022015). Collection method: clinical testing. Allele origin: germline.
Comment: In summary, the available evidence is currently insufficient to determine the role of this variant in disease. Therefore, it has been classified as a Variant of Uncertain Significance. Algorithms developed to predict the effect of missense changes on protein structure and function are either unavailable or do not agree on the potential impact of this missense change (SIFT: "Deleterious"; PolyPhen-2: "Not Available"; Align-GVGD: "Class C25"). This variant has not been reported in the literature in individuals with AGTR1-related conditions. This variant is present in population databases (rs188281474, ExAC 0.009%). This sequence change replaces valine with leucine at codon 281 of the AGTR1 protein (p.Val281Leu). The valine residue is highly conserved and there is a small physicochemical difference between valine and leucine.

NM_000685.5(AGTR1):c.736G>C (p.Val246Leu)

Gene: AGTR1 (angiotensin II receptor type 1; plus strand). Cytogenetic location: 3q24.
Variant type: single nucleotide variant.
Coding change: c.736G>C on transcript NM_000685.5 (MANE Select); coding-DNA position 736, G replaced by C.
Protein change: p.Val246Leu; replaces valine 246 with leucine.
Molecular consequence: missense variant.
Genome position (GRCh38, 1-based): chr3:148,741,771, G>C. VCF-style: chr3-148741771-G-C. GRCh37 (hg19) VCF-style: chr3-148459558-G-C.
Other names: c.841G>C (NM_031850.3); c.736G>C, p.Val246Leu (NM_001382736.1, NM_001382737.1, NM_004835.5 and 3 more transcripts); short protein forms V246L.
Identifiers: ClinVar variation 1521584 (VCV001521584.8), dbSNP rs188281474, ClinGen allele CA2657378.